The following is an entry in ClinVar:

NM_007294.4(BRCA1):c.3358G>A (p.Val1120Ile)

Genes: BRCA1 (BRCA1 DNA repair associated; minus strand), LOC126862571 (BRD4-independent group 4 enhancer GRCh37_chr17:41243136-41244335; plus strand). Cytogenetic location: 17q21.31.
Variant type: single nucleotide variant.
Coding change: c.3358G>A on transcript NM_007294.4 (MANE Select); coding-DNA position 3358, G replaced by A.
Protein change: p.Val1120Ile; replaces valine 1120 with isoleucine.
Molecular consequence: missense variant. On other transcripts: intron variant (137).
Genome position (GRCh38, 1-based): chr17:43,092,173, C>T on the plus strand (G>A on the coding strand, the complement: BRCA1 is on the minus strand). VCF-style: chr17-43092173-C-T. GRCh37 (hg19) VCF-style: chr17-41244190-C-T.
Other names: c.3145G>A, p.Val1049Ile (NM_001407571.1, NM_001407915.1, NM_001407916.1 and 9 more transcripts); c.3358G>A, p.Val1120Ile (NM_001407581.1, NM_001407582.1, NM_001407583.1 and 30 more transcripts); c.3355G>A, p.Val1119Ile (NM_001407587.1, NM_001407590.1, NM_001407591.1 and 22 more transcripts); c.3148G>A, p.Val1050Ile (NM_001407907.1, NM_001407908.1, NM_001407909.1 and 13 more transcripts); c.3235G>A, p.Val1079Ile (NM_001407919.1, NM_001407937.1, NM_001407938.1 and 19 more transcripts); c.3094G>A, p.Val1032Ile (NM_001407920.1, NM_001407921.1, NM_001407922.1 and 9 more transcripts); c.3091G>A, p.Val1031Ile (NM_001407930.1, NM_001407931.1, NM_001407932.1 and 2 more transcripts); c.3232G>A, p.Val1078Ile (NM_001407940.1, NM_001407941.1, NM_001407649.1 and 11 more transcripts); and 41 more; short protein forms V1120I, V1073I, V1049I, V1050I, V1094I, V993I, V1008I, V1032I.
Identifiers: ClinVar variation 184039 (VCV000184039.35), dbSNP rs748894760, ClinGen allele CA002179.

ClinVar aggregate classification (germline): Conflicting classifications of pathogenicity. Review status: criteria provided, conflicting classifications (1 of 4 stars). 10 submissions from 10 submitters: Uncertain significance (7); Likely benign (1). 2 of the submissions do not count toward it. Last evaluated 2025-12-21.

Conditions:
BRCA1-related disorder. Also called: BRCA1-related condition.
Hereditary breast ovarian cancer syndrome. Also called: Hereditary breast and ovarian cancer syndrome; Hereditary breast and ovarian cancer syndrome (HBOC); BRCA1- and BRCA2-Associated Hereditary Breast and Ovarian Cancer; Breast and ovarian cancer; Hereditary breast and ovarian cancer; Hereditary breast and/or ovarian cancer syndrome. Identifiers: Orphanet 145, MedGen C0677776, MeSH D061325, MONDO:0003582. Disease mechanism: loss of function.
Hereditary cancer-predisposing syndrome. Also called: Hereditary Cancer Syndrome; Hereditary neoplastic syndrome; Tumor predisposition; Neoplastic Syndromes, Hereditary. Identifiers: Orphanet 140162, MedGen C0027672, MeSH D009386, MONDO:0015356.
Breast-ovarian cancer, familial, susceptibility to, 1 (BROVCA1). Also called: OVARIAN CANCER, SUSCEPTIBILITY TO; BRCA1 Hereditary Breast and Ovarian Cancer. Identifiers: Orphanet 145, MedGen C2676676, MONDO:0011450, OMIM 604370. Disease mechanism: loss of function.
BRCA1-related cancer predisposition. Identifiers: MedGen CN377757, MONDO:0700268.

Allele frequency attached by ClinVar (database versions not stated): gnomAD 0.00001; TOPMed 0.00002.
gnomAD v4.1: 14 of 1,613,232 alleles (0.00087%); highest among the groups gnomAD compares: East Asian, 0.0022%; no homozygotes.

Submissions (10):

Labcorp Genetics (formerly Invitae), Labcorp
Classification: Uncertain significance for Hereditary breast ovarian cancer syndrome. Last evaluated: 2025-12-21. Review status: criteria provided, single submitter. Criteria: Invitae Variant Classification Sherloc (09022015). Collection method: clinical testing. Allele origin: germline.
Comment: This sequence change replaces valine, which is neutral and non-polar, with isoleucine, which is neutral and non-polar, at codon 1120 of the BRCA1 protein (p.Val1120Ile). This variant is present in population databases (rs748894760, gnomAD 0.002%). This variant has not been reported in the literature in individuals affected with BRCA1-related conditions. ClinVar contains an entry for this variant (Variation ID: 184039). Invitae Evidence Modeling of protein sequence and biophysical properties (such as structural, functional, and spatial information, amino acid conservation, physicochemical variation, residue mobility, and thermodynamic stability) indicates that this missense variant is not expected to disrupt BRCA1 protein function with a negative predictive value of 80%. In summary, the available evidence is currently insufficient to determine the role of this variant in disease. Therefore, it has been classified as a Variant of Uncertain Significance.

Ambry Genetics
Classification: Uncertain significance for Hereditary cancer-predisposing syndrome. Last evaluated: 2025-10-02. Review status: criteria provided, single submitter. Criteria: Ambry Variant Classification Scheme 2023. Collection method: clinical testing. Allele origin: germline.
Comment: The p.V1120I variant (also known as c.3358G>A), located in coding exon 9 of the BRCA1 gene, results from a G to A substitution at nucleotide position 3358. The valine at codon 1120 is replaced by isoleucine, an amino acid with highly similar properties. This amino acid position is well conserved in available vertebrate species. In addition, the in silico prediction for this alteration is inconclusive. Based on the available evidence, the clinical significance of this variant remains unclear.

GeneDx
Classification: Uncertain significance. Last evaluated: 2025-03-11. Review status: criteria provided, single submitter. Criteria: GeneDx Variant Classification Process June 2021. Collection method: clinical testing. Allele origin: germline. Affected: yes.
Comment: Not observed at significant frequency in large population cohorts (gnomAD); In silico analysis indicates that this missense variant does not alter protein structure/function; Also known as 3477G>A; This variant is associated with the following publications: (PMID: 33471991)

Quest Diagnostics Nichols Institute San Juan Capistrano
Classification: Uncertain significance. Last evaluated: 2024-12-18. Review status: criteria provided, single submitter. Criteria: Quest Diagnostics criteria. Collection method: clinical testing. Allele origin: unknown.
Comment: The BRCA1 c.3358G>A (p.Val1120Ile) variant has been reported in the published literature in an individual undergoing genetic testing for hereditary breast/ovarian cancer (PMID: 32720237 (2021)). This variant has also been observed in reportedly healthy individuals in a case-control study (PMID: 33471991 (2021), see LOVD), and described to be located in a region of the BRCA1 gene that is tolerant to missense sequence changes (PMID: 31911673 (2020)). The frequency of this variant in the general population (Genome Aggregation Database) is uninformative in the assessment of its pathogenicity. Analysis of this variant using bioinformatics tools for the prediction of the effect of amino acid changes on protein structure and function yielded conflicting predictions that this variant is benign or damaging. Based on the available information, we are unable to determine the clinical significance of this variant.

Color Diagnostics, LLC DBA Color Health
Classification: Uncertain significance for Hereditary cancer-predisposing syndrome. Last evaluated: 2024-06-20. Review status: criteria provided, single submitter. Criteria: ACMG Guidelines, 2015. Collection method: clinical testing. Allele origin: germline.
Comment: This missense variant replaces valine with isoleucine at codon 1120 of the BRCA1 protein. Computational prediction suggests that this variant may not impact protein structure and function (internally defined REVEL score threshold <= 0.5, PMID: 27666373). To our knowledge, functional studies have not been reported for this variant. This variant has not been reported in individuals affected with BRCA1-related disorders in the literature. In a large breast cancer case-control study, this variant has been reported in 0/60466 cases and 2/53461 unaffected controls (PMID: 33471991). This variant has been identified in 2/250270 chromosomes in the general population by the Genome Aggregation Database (gnomAD). The available evidence is insufficient to determine the role of this variant in disease conclusively. Therefore, this variant is classified as a Variant of Uncertain Significance.

All of Us Research Program, National Institutes of Health
Classification: Uncertain significance for BRCA1-related cancer predisposition. Last evaluated: 2024-03-08. Review status: criteria provided, single submitter. Criteria: ACMG Guidelines, 2015. Collection method: clinical testing. Allele origin: germline. Inheritance: Autosomal dominant inheritance. Observed: 1 variant allele, 1 heterozygote.
Comment: This missense variant replaces valine with isoleucine at codon 1120 of the BRCA1 protein. Computational prediction suggests that this variant may not impact protein structure and function (internally defined REVEL score threshold <= 0.5, PMID: 27666373). Splice site prediction tools suggest that this variant may not impact RNA splicing. To our knowledge, functional studies have not been performed for this variant. This variant has not been reported in individuals affected with hereditary cancer in the literature. This variant has been identified in 2/250270 chromosomes in the general population by the Genome Aggregation Database (gnomAD). The available evidence is insufficient to determine the role of this variant in disease conclusively. Therefore, this variant is classified as a Variant of Uncertain Significance.

This study involves interpretation of variants in research participants for the purpose of population health screening. Participant phenotype was not available at the time of variant classification. Additional details can be found in publication PMID: 35346344, PMCID: PMC8962531

University of Washington Department of Laboratory Medicine, University of Washington
Classification: Likely benign for Hereditary cancer-predisposing syndrome. Last evaluated: 2023-03-23. Review status: criteria provided, single submitter. Criteria: Dines et al. (Genet Med. 2020). Collection method: curation. Allele origin: germline.
Comment: Missense variant in a coldspot region where missense variants are very unlikely to be pathogenic (PMID:31911673).

BRCA1 coldspot (exon 11 using historical exon numbering). Reclassification based on statistical prior probability

Sema4
Classification: Uncertain significance for Hereditary cancer-predisposing syndrome. Last evaluated: 2021-12-08. Review status: criteria provided, single submitter. Criteria: Sema4 Curation Guidelines. Collection method: curation. Allele origin: germline.
Comment: To the best of our knowledge, the BRCA1 c.3358G>A (p.V1120I) variant has not been reported in individuals with BRCA1-related disease. It has been reported in heterozygosity in at least three individuals as controls in case-control analyses (PMID: 33471991, DOI 10.1101/2021.09.02.21262369). It was observed in 2/113446 chromosomes of the Non-Finnish European subpopulation in the large and broad cohorts of the Genome Aggregation Database (PMID: 32461654). The variant has been reported in ClinVar (Variation ID 184039). Functional studies have not been performed, and in silico predictions of the variant's effect on protein function are inconclusive. The evidence is insufficient to meet ACMG/AMP criteria for classifying the variant as benign or pathogenic. Thus, the clinical significance of this variant is currently uncertain.

PreventionGenetics, part of Exact Sciences
Classification: Uncertain significance for BRCA1-related condition. Last evaluated: 2024-07-16. Review status: no assertion criteria provided. Collection method: clinical testing. Allele origin: germline. Not counted in ClinVar's aggregate classification.
Comment: The BRCA1 c.3358G>A variant is predicted to result in the amino acid substitution p.Val1120Ile. To our knowledge, this variant has not been reported in the literature in individuals with BRCA1-related disorders. This variant is reported in 0.0018% of alleles in individuals of European (Non-Finnish) descent in gnomAD and has conflicting interpretations of pathogenicity in ClinVar ranging from likely benign to uncertain. At this time, the clinical significance of this variant is uncertain due to the absence of conclusive functional and genetic evidence.

Counsyl
Classification: Uncertain significance for Breast-ovarian cancer, familial, susceptibility to, 1. Last evaluated: 2016-10-18. Review status: no assertion criteria provided. Collection method: clinical testing. Allele origin: unknown. Not counted in ClinVar's aggregate classification.

Literature cited by the submitters: PubMed 33471991 (cited by 4 submitters); PubMed 31911673 (cited by Quest Diagnostics Nichols Institute San Juan Capistrano); PubMed 31853058 (cited by Quest Diagnostics Nichols Institute San Juan Capistrano); PubMed 32720237 (cited by Quest Diagnostics Nichols Institute San Juan Capistrano).